The following is an entry in ClinVar:

NM_001351169.2(NT5C2):c.83G>A (p.Arg28His)

Gene: NT5C2 (5'-nucleotidase, cytosolic II; minus strand). Cytogenetic location: 10q24.33.
Variant type: single nucleotide variant.
Coding change: c.83G>A on transcript NM_001351169.2 (MANE Select); coding-DNA position 83, G replaced by A.
Protein change: p.Arg28His; replaces arginine 28 with histidine.
Molecular consequence: missense variant. On other transcripts: 5 prime UTR variant (20).
Genome position (GRCh38, 1-based): chr10:103,174,876, C>T on the plus strand (G>A on the coding strand, the complement: NT5C2 is on the minus strand). VCF-style: chr10-103174876-C-T. GRCh37 (hg19) VCF-style: chr10-104934633-C-T.
Other names: c.83G>A, p.Arg28His (NM_001134373.3, NM_001351170.2, NM_001351171.2 and 3 more transcripts); c.-135G>A (NM_001351175.2); c.-478G>A (NM_001351176.2); c.-552G>A (NM_001351177.2, NM_001351197.2); c.-576G>A (NM_001351178.2, NM_001351190.2); c.-744G>A (NM_001351179.2, NM_001351182.2); c.-609G>A (NM_001351180.2); c.-325G>A (NM_001351181.2); and 9 more; short protein forms R28H.
Identifiers: ClinVar variation 2096604 (VCV002096604.4), dbSNP rs759339080, ClinGen allele CA5671203.

ClinVar aggregate classification (germline): Uncertain significance. Review status: criteria provided, multiple submitters, no conflicts (2 of 4 stars). 2 submissions from 2 submitters: Uncertain significance (2). Last evaluated 2024-09-25.

Conditions:
Inborn genetic diseases. Identifiers: MedGen C0950123, MeSH D030342.
Hereditary spastic paraplegia 45. Also called: SPASTIC PARAPLEGIA 45; Spastic paraplegia 45, autosomal recessive. Identifiers: Orphanet 320396, MedGen C3888209, MONDO:0013165, OMIM 613162.

Allele frequency attached by ClinVar (database versions not stated): gnomAD exomes below 0.00001; ExAC 0.00001; gnomAD 0.00003; TOPMed 0.00003.
gnomAD v4.1: 8 of 1,612,342 alleles (0.0005%); highest among the groups gnomAD compares: East Asian, 0.0067%; no homozygotes.

Submissions (2):

Ambry Genetics
Classification: Uncertain significance for Inborn genetic diseases. Last evaluated: 2024-09-25. Review status: criteria provided, single submitter. Criteria: Ambry Variant Classification Scheme 2023. Collection method: clinical testing. Allele origin: germline.

Labcorp Genetics (formerly Invitae), Labcorp
Classification: Uncertain significance for Hereditary spastic paraplegia 45. Last evaluated: 2022-08-13. Review status: criteria provided, single submitter. Criteria: Invitae Variant Classification Sherloc (09022015). Collection method: clinical testing. Allele origin: germline.
Comment: This variant has not been reported in the literature in individuals affected with NT5C2-related conditions. In summary, the available evidence is currently insufficient to determine the role of this variant in disease. Therefore, it has been classified as a Variant of Uncertain Significance. Algorithms developed to predict the effect of missense changes on protein structure and function are either unavailable or do not agree on the potential impact of this missense change (SIFT: "Tolerated"; PolyPhen-2: "Possibly Damaging"; Align-GVGD: "Class C0"). The frequency data for this variant in the population databases is considered unreliable, as metrics indicate poor data quality at this position in the gnomAD database. This sequence change replaces arginine, which is basic and polar, with histidine, which is basic and polar, at codon 28 of the NT5C2 protein (p.Arg28His).